The following is an entry in ClinVar:

NM_001042475.3(CEP85L):c.254del (p.Thr85fs)

Gene: CEP85L (centrosomal protein 85L; minus strand). Cytogenetic location: 6q22.31.
Variant type: Deletion.
Coding change: c.254del on transcript NM_001042475.3 (MANE Select); coding-DNA position 254, one base deleted (C; older notation c.254delC).
Protein change: p.Thr85fs; shifts the reading frame from threonine 85.
Molecular consequence: frameshift variant.
Genome position (GRCh38, 1-based): chr6:118,566,295, G deleted on the plus strand (C on the coding strand, the reverse complement: CEP85L is on the minus strand). VCF-style (leftmost placement, unchanged base first): chr6-118566294-TG-T. GRCh37 (hg19) VCF-style: chr6-118887457-TG-T.
Other names: c.263del, p.Thr88fs (NM_001178035.2); c.254del, p.Thr85fs (NM_206921.3); short protein forms T85fs, T88fs.
Identifiers: ClinVar variation 4085244 (VCV004085244.8).

ClinVar aggregate classification (germline): Uncertain significance (1 of 4 stars; one submission).

Submission:

CeGaT Center for Human Genetics Tuebingen
Classification: Uncertain significance. Last evaluated: 2025-06-01. Review status: criteria provided, single submitter. Criteria: CeGaT Center For Human Genetics Tuebingen Variant Classification Criteria Version 2. Collection method: clinical testing. Allele origin: germline. Affected: yes. Observed: 1 variant allele.
Comment: CEP85L: PM2